The following is an entry in ClinVar:

NM_153704.6(TMEM67):c.2732T>A (p.Met911Lys)

Gene: TMEM67 (transmembrane protein 67; plus strand). Cytogenetic location: 8q22.1.
Variant type: single nucleotide variant.
Coding change: c.2732T>A on transcript NM_153704.6 (MANE Select); coding-DNA position 2732, T replaced by A.
Protein change: p.Met911Lys; replaces methionine 911 with lysine.
Molecular consequence: missense variant. On other transcripts: non-coding transcript variant (1).
Genome position (GRCh38, 1-based): chr8:93,809,855, T>A. VCF-style: chr8-93809855-T-A. GRCh37 (hg19) VCF-style: chr8-94822083-T-A.
Other names: c.2489T>A, p.Met830Lys (NM_001142301.1); short protein forms M911K, M830K.
Identifiers: ClinVar variation 1444388 (VCV001444388.3), dbSNP rs765686583, ClinGen allele CA4808379.
Genomic context (GRCh38, chr8:93,809,855, plus strand): 5'-AAATGGATTACTTTATAAAAGATAAGTTGCTTCTTGAAAGAATTCTTGGAATGGAATTCA[T>A]GGAACCAATGGAAAAAAGCATCTTTTACAATGGTATCTTCTAAATCCCTTTGTAGAACTT-3'
Protein context (NP_714915.3, residues 901-921): LLERILGMEF[Met911Lys]EPMEKSIFYN

ClinVar aggregate classification (germline): Uncertain significance (1 of 4 stars; one submission).

Conditions:
Meckel-Gruber syndrome. Also called: DYSENCEPHALIA SPLANCHNOCYSTICA; GRUBER SYNDROME; Dysencephalia splachnocystica. Identifiers: Orphanet 564, MedGen C0265215, MONDO:0018921.
Joubert syndrome. Also called: CEREBELLOPARENCHYMAL DISORDER IV; JOUBERT-BOLTSHAUSER SYNDROME; Familial aplasia of the vermis. Identifiers: Orphanet 475, MedGen C5979921, MONDO:0018772.

Allele frequency attached by ClinVar (database versions not stated): ExAC 0.00001; gnomAD exomes 0.00001.
gnomAD v4.1: 2 of 1,607,798 alleles (0.00012%); highest among the groups gnomAD compares: East Asian, 0.0045%; no homozygotes.

Submission:

Labcorp Genetics (formerly Invitae), Labcorp
Classification: Uncertain significance for Joubert syndrome; Meckel-Gruber syndrome. Last evaluated: 2022-10-17. Review status: criteria provided, single submitter. Criteria: Invitae Variant Classification Sherloc (09022015). Collection method: clinical testing. Allele origin: germline.
Comment: This sequence change replaces methionine, which is neutral and non-polar, with lysine, which is basic and polar, at codon 911 of the TMEM67 protein (p.Met911Lys). This variant is present in population databases (rs765686583, gnomAD 0.01%). This variant has not been reported in the literature in individuals affected with TMEM67-related conditions. ClinVar contains an entry for this variant (Variation ID: 1444388). Advanced modeling of protein sequence and biophysical properties (such as structural, functional, and spatial information, amino acid conservation, physicochemical variation, residue mobility, and thermodynamic stability) performed at Invitae indicates that this missense variant is expected to disrupt TMEM67 protein function. In summary, the available evidence is currently insufficient to determine the role of this variant in disease. Therefore, it has been classified as a Variant of Uncertain Significance.